The following is an entry in ClinVar:

NM_001379500.1(COL18A1):c.2848C>T (p.Arg950Cys)

Genes: COL18A1 (collagen type XVIII alpha 1 chain; plus strand), SLC19A1 (solute carrier family 19 member 1; minus strand). Cytogenetic location: 21q22.3.
Variant type: single nucleotide variant.
Coding change: c.2848C>T on transcript NM_001379500.1 (MANE Select); coding-DNA position 2848, C replaced by T.
Protein change: p.Arg950Cys; replaces arginine 950 with cysteine.
Molecular consequence: missense variant.
Genome position (GRCh38, 1-based): chr21:45,504,536, C>T. VCF-style: chr21-45504536-C-T. GRCh37 (hg19) VCF-style: chr21-46924450-C-T.
Other names: c.3379C>T, p.Arg1127Cys (NM_030582.4); c.4084C>T, p.Arg1362Cys (NM_130444.3); short protein forms R950C, R1127C, R1362C.
Identifiers: ClinVar variation 1925078 (VCV001925078.2), dbSNP rs757436263, ClinGen allele CA10067508.

ClinVar aggregate classification (germline): Uncertain significance (1 of 4 stars; one submission).

Allele frequency attached by ClinVar (database versions not stated): gnomAD 0.00002; TOPMed 0.00002; ExAC 0.00008.
gnomAD v4.1: 23 of 1,577,804 alleles (0.0015%); highest among the groups gnomAD compares: Admixed American, 0.0018%; no homozygotes.

Submission:

Labcorp Genetics (formerly Invitae), Labcorp
Classification: Uncertain significance. Last evaluated: 2022-04-19. Review status: criteria provided, single submitter. Criteria: Invitae Variant Classification Sherloc (09022015). Collection method: clinical testing. Allele origin: germline.
Comment: This sequence change replaces arginine, which is basic and polar, with cysteine, which is neutral and slightly polar, at codon 947 of the COL18A1 protein (p.Arg947Cys). This variant is present in population databases (rs757436263, gnomAD 0.005%). This variant has not been reported in the literature in individuals affected with COL18A1-related conditions. Experimental studies and prediction algorithms are not available or were not evaluated, and the functional significance of this variant is currently unknown. In summary, the available evidence is currently insufficient to determine the role of this variant in disease. Therefore, it has been classified as a Variant of Uncertain Significance.